The following is an entry in ClinVar:

NM_000051.4(ATM):c.5918+6G>A

Genes: ATM (ATM serine/threonine kinase; plus strand), C11orf65 (chromosome 11 open reading frame 65; minus strand). Cytogenetic location: 11q22.3.
Variant type: single nucleotide variant.
Coding change: c.5918+6G>A on transcript NM_000051.4 (MANE Select); 6 bases into the intron after coding-DNA position 5918, G replaced by A.
Molecular consequence: intron variant.
Genome position (GRCh38, 1-based): chr11:108,310,321, G>A. VCF-style: chr11-108310321-G-A. GRCh37 (hg19) VCF-style: chr11-108181048-G-A.
Other names: c.5918+6G>A (NM_001351834.2); c.641-1250C>T (NM_001330368.2); c.*39-1250C>T (NM_001351110.2).
Identifiers: ClinVar variation 955515 (VCV000955515.10), dbSNP rs2084041898, ClinGen allele CA1139662237.
Genomic context (GRCh38, chr11:108,310,321, plus strand): 5'-TACTCTATGCAGAAATCTATGCAGATAAGAAAAGTATGGATGATCAAGAGAAAAGGTAAT[G>A]GAATTTAGAATTTTTGGTTTTTAAAATTAATGTTGGCATTGTCTCAATAAGGGTATATAG-3'

ClinVar aggregate classification (germline): Uncertain significance. Review status: criteria provided, single submitter (1 of 4 stars). 2 submissions from 2 submitters: Uncertain significance (1). 1 of the submissions does not count toward it. Last evaluated 2025-09-10.

Conditions:
Ataxia-telangiectasia syndrome (AT). Also called: Ataxia-telangiectasia, complementation group D; AT, COMPLEMENTATION GROUP C; ATAXIA-TELANGIECTASIA, COMPLEMENTATION GROUP A; ATAXIA-TELANGIECTASIA, FRESNO VARIANT; Ataxia-telangiectasia; Ataxia telangiectasia (A-T). Identifiers: Orphanet 100, MedGen C0004135, MONDO:0008840, OMIM 208900.

Allele frequency attached by ClinVar (database versions not stated): gnomAD exomes below 0.00001.
gnomAD v4.1: 3 of 1,611,600 alleles (0.00019%); highest among the groups gnomAD compares: Non-Finnish European, 0.00017%; no homozygotes.

Submissions (2):

Labcorp Genetics (formerly Invitae), Labcorp
Classification: Uncertain significance for Ataxia-telangiectasia syndrome. Last evaluated: 2025-09-10. Review status: criteria provided, single submitter. Criteria: Invitae Variant Classification Sherloc (09022015). Collection method: clinical testing. Allele origin: germline.
Comment: This sequence change falls in intron 39 of the ATM gene. It does not directly change the encoded amino acid sequence of the ATM protein. It affects a nucleotide within the consensus splice site. This variant is not present in population databases (gnomAD no frequency). This variant has not been reported in the literature in individuals affected with ATM-related conditions. ClinVar contains an entry for this variant (Variation ID: 955515). Variants that disrupt the consensus splice site are a relatively common cause of aberrant splicing (PMID: 17576681, 9536098). Algorithms developed to predict the effect of sequence changes on RNA splicing suggest that this variant is not likely to affect RNA splicing. In summary, the available evidence is currently insufficient to determine the role of this variant in disease. Therefore, it has been classified as a Variant of Uncertain Significance.

Natera, Inc.
Classification: Uncertain significance for Ataxia-telangiectasia. Last evaluated: 2025-05-05. Review status: no assertion criteria provided. Collection method: clinical testing. Allele origin: germline. Not counted in ClinVar's aggregate classification.

Literature cited by the submitters: PubMed 17576681 (cited by Labcorp Genetics (formerly Invitae), Labcorp); PubMed 9536098 (cited by Labcorp Genetics (formerly Invitae), Labcorp).